The following is an entry in ClinVar:

NM_007194.4(CHEK2):c.79del (p.Gln27fs)

Gene: CHEK2 (checkpoint kinase 2; minus strand). Cytogenetic location: 22q12.1.
Variant type: Deletion.
Coding change: c.79del on transcript NM_007194.4 (MANE Select); coding-DNA position 79, one base deleted (C; older notation c.79delC).
Protein change: p.Gln27fs; shifts the reading frame from glutamine 27.
Molecular consequence: frameshift variant.
Genome position (GRCh38, 1-based): chr22:28,734,643, G deleted on the plus strand (C on the coding strand, the reverse complement: CHEK2 is on the minus strand); the first of 3 consecutive G bases (chr22:28,734,643-28,734,645); deleting any one gives the same sequence. VCF-style (leftmost placement, unchanged base first): chr22-28734642-TG-T. GRCh37 (hg19) VCF-style: chr22-29130630-TG-T.
Other names: c.77delC, p.Gln27Serfs (NM_001005735.3, NM_001349956.3, NM_145862.3); c.-701delC (NM_001257387.3); short protein forms Q27fs.
Identifiers: ClinVar variation 1410467 (VCV001410467.8), dbSNP rs2146153237, ClinGen allele CA2573157845.

ClinVar aggregate classification (germline): Pathogenic. Review status: criteria provided, multiple submitters, no conflicts (2 of 4 stars). 2 submissions from 2 submitters: Pathogenic (2). Last evaluated 2024-12-17.

Conditions:
Familial cancer of breast. Also called: hereditary breast carcinoma; Hereditary breast cancer; BREAST CANCER, FAMILIAL. Identifiers: Orphanet 227535, MedGen C0346153, MONDO:0016419, OMIM 114480. Disease mechanism: loss of function.
Hereditary cancer-predisposing syndrome. Also called: Hereditary Cancer Syndrome; Tumor predisposition; Hereditary neoplastic syndrome; Neoplastic Syndromes, Hereditary. Identifiers: Orphanet 140162, MedGen C0027672, MeSH D009386, MONDO:0015356.

Submissions (2):

Ambry Genetics
Classification: Pathogenic for Hereditary cancer-predisposing syndrome. Last evaluated: 2024-12-17. Review status: criteria provided, single submitter. Criteria: Ambry Variant Classification Scheme 2023. Collection method: clinical testing. Allele origin: germline.
Comment: The c.79delC pathogenic mutation, located in coding exon 1 of the CHEK2 gene, results from a deletion of one nucleotide at nucleotide position 79, causing a translational frameshift with a predicted alternate stop codon (p.Q27Sfs*34). This variant is considered to be rare based on population cohorts in the Genome Aggregation Database (gnomAD). This alteration is expected to result in loss of function by premature protein truncation or nonsense-mediated mRNA decay. As such, this alteration is interpreted as a disease-causing mutation.

Labcorp Genetics (formerly Invitae), Labcorp
Classification: Pathogenic for Familial cancer of breast. Last evaluated: 2021-04-12. Review status: criteria provided, single submitter. Criteria: Invitae Variant Classification Sherloc (09022015). Collection method: clinical testing. Allele origin: germline.
Comment: For these reasons, this variant has been classified as Pathogenic. This variant has not been reported in the literature in individuals with CHEK2-related conditions. This variant is not present in population databases (ExAC no frequency). This sequence change creates a premature translational stop signal (p.Gln27Serfs*34) in the CHEK2 gene. It is expected to result in an absent or disrupted protein product. Loss-of-function variants in CHEK2 are known to be pathogenic (PMID: 21876083, 24713400).

Literature cited by the submitters: PubMed 21876083 (cited by Labcorp Genetics (formerly Invitae), Labcorp); PubMed 24713400 (cited by Labcorp Genetics (formerly Invitae), Labcorp).